The following is an entry in ClinVar:

NM_006766.5(KAT6A):c.5140G>C (p.Ala1714Pro)

Gene: KAT6A (lysine acetyltransferase 6A; minus strand). Cytogenetic location: 8p11.21.
Variant type: single nucleotide variant.
Coding change: c.5140G>C on transcript NM_006766.5 (MANE Select); coding-DNA position 5140, G replaced by C.
Protein change: p.Ala1714Pro; replaces alanine 1714 with proline.
Molecular consequence: missense variant.
Genome position (GRCh38, 1-based): chr8:41,933,080, C>G on the plus strand (G>C on the coding strand, the complement: KAT6A is on the minus strand). VCF-style: chr8-41933080-C-G. GRCh37 (hg19) VCF-style: chr8-41790598-C-G.
Other names: short protein forms A1714P.
Identifiers: ClinVar variation 4689259 (VCV004689259.1).

ClinVar aggregate classification (germline): Uncertain significance (1 of 4 stars; one submission).

Submission:

Women's Health and Genetics/Laboratory Corporation of America, LabCorp
Classification: Uncertain significance. Last evaluated: 2026-01-19. Review status: criteria provided, single submitter. Criteria: LabCorp Variant Classification Summary - May 2015. Collection method: clinical testing. Allele origin: germline.
Comment: Variant summary: KAT6A c.5140G>C (p.Ala1714Pro) results in a non-conservative amino acid change in the encoded protein sequence. Algorithms developed to predict the effect of missense changes on protein structure and function are either unavailable or do not agree on the potential impact of this missense change. The variant was absent in 251412 control chromosomes. The available data on variant occurrences in the general population are insufficient to allow any conclusion about variant significance. To our knowledge, no occurrence of c.5140G>C in individuals affected with KAT6A-related conditions and no experimental evidence demonstrating its impact on protein function have been reported. No submitters have cited clinical-significance assessments for this variant to ClinVar. Based on the evidence outlined above, the variant was classified as uncertain significance.